The following is an entry in ClinVar:

ClinVar aggregate classification (germline): Uncertain significance (1 of 4 stars; one submission).

Conditions:
Fanconi anemia complementation group D2. Also called: FANCD2-Related Fanconi Anemia; FANCONI PANCYTOPENIA, TYPE 4; FANCONI ANEMIA, COMPLEMENTATION GROUP D. Identifiers: Orphanet 84, MedGen C3160738, MONDO:0009214, OMIM 227646.

gnomAD v4.1: 2 of 1,613,592 alleles (0.00012%); highest among the groups gnomAD compares: Admixed American, 0.0033%; no homozygotes.

Submission:

Baylor Genetics
Classification: Uncertain significance for Fanconi anemia complementation group D2. Last evaluated: 2018-08-15. Review status: criteria provided, single submitter. Criteria: ACMG Guidelines, 2015. Collection method: clinical testing. Allele origin: paternal. Affected: yes.
Comment: This variant was determined to be of uncertain significance according to ACMG Guidelines, 2015 [PMID:25741868].

NM_001018115.3(FANCD2):c.2777G>T (p.Arg926Leu)

Genes: FANCD2 (FA complementation group D2; plus strand), LOC107303338 (3p25 FANCD2 Alu-mediated recombination region; plus strand). Cytogenetic location: 3p25.3.
Variant type: single nucleotide variant.
Coding change: c.2777G>T on transcript NM_001018115.3 (MANE Select); coding-DNA position 2777, G replaced by T.
Protein change: p.Arg926Leu; replaces arginine 926 with leucine.
Molecular consequence: missense variant.
Genome position (GRCh38, 1-based): chr3:10,074,591, G>T. VCF-style: chr3-10074591-G-T. GRCh37 (hg19) VCF-style: chr3-10116275-G-T.
Other names: c.2777G>T, p.Arg926Leu (NM_001319984.2, NM_001374254.1, NM_033084.6); c.2666G>T, p.Arg889Leu (NM_001374253.1); short protein forms R926L, R889L.
Identifiers: ClinVar variation 1034184 (VCV001034184.1), dbSNP rs532250395, ClinGen allele CA351744330.
Genomic context (GRCh38, chr3:10,074,591, plus strand): 5'-AGTTCACAGGGAAGGAAGAAAAGACATCATTGTTACTACATAATTCCCATGCTTTTTTCC[G>T]AGAGCTGGACATTGAGGTCTTCTCTATTCTACATTGTGGACTTGTGACGAAGTTCATCTT-3'
Protein context (NP_001018125.1, residues 916-936): LLLHNSHAFF[Arg926Leu]ELDIEVFSIL